The following is an entry in ClinVar:

NM_032043.3(BRIP1):c.3700T>C (p.Phe1234Leu)

Gene: BRIP1 (BRCA1 interacting DNA helicase 1; minus strand). Cytogenetic location: 17q23.2.
Variant type: single nucleotide variant.
Coding change: c.3700T>C on transcript NM_032043.3 (MANE Select); coding-DNA position 3700, T replaced by C.
Protein change: p.Phe1234Leu; replaces phenylalanine 1234 with leucine.
Molecular consequence: missense variant.
Genome position (GRCh38, 1-based): chr17:61,683,346, A>G on the plus strand (T>C on the coding strand, the complement: BRIP1 is on the minus strand). VCF-style: chr17-61683346-A-G. GRCh37 (hg19) VCF-style: chr17-59760707-A-G.
Other names: short protein forms F1234L.
Identifiers: ClinVar variation 241659 (VCV000241659.9), dbSNP rs878855156, ClinGen allele CA10583610.

ClinVar aggregate classification (germline): Uncertain significance (1 of 4 stars; one submission).

Conditions:
Familial cancer of breast. Also called: BREAST CANCER, FAMILIAL; Hereditary breast cancer; hereditary breast carcinoma. Identifiers: Orphanet 227535, MedGen C0346153, MONDO:0016419, OMIM 114480. Disease mechanism: loss of function.
Fanconi anemia complementation group J. Also called: BRIP1-Related Fanconi Anemia. Identifiers: Orphanet 84, MedGen C1836860, MONDO:0012187, OMIM 609054.

Submission:

Labcorp Genetics (formerly Invitae), Labcorp
Classification: Uncertain significance for Familial cancer of breast; Fanconi anemia complementation group J. Last evaluated: 2015-12-19. Review status: criteria provided, single submitter. Criteria: Invitae Variant Classification Sherloc (09022015). Collection method: clinical testing. Allele origin: germline.
Comment: In summary, this is a novel missense change that is not predicted to affect protein function or cause disease. However the evidence is insufficient at this time to prove that conclusively. Therefore, it has been classified as a Variant of Uncertain Significance. Algorithms developed to predict the effect of missense changes on protein structure and function (SIFT, PolyPhen-2, Align-GVGD) all suggest that this variant is likely to be tolerated, but these predictions have not been confirmed by published functional studies. This variant is not present in population databases (ExAC no frequency) and has not been reported in the literature in individuals with a BRIP1-related disease. This sequence change replaces phenylalanine with leucine at codon 1234 of the BRIP1 protein (p.Phe1234Leu). The phenylalanine residue is weakly conserved and there is a small physicochemical difference between phenylalanine and leucine.